The following is an entry in ClinVar:

NM_000397.4(CYBB):c.80_83del (p.Val27fs)

Gene: CYBB (cytochrome b-245 beta chain; plus strand). Cytogenetic location: Xp21.1.
Variant type: Deletion.
Coding change: c.80_83del on transcript NM_000397.4 (MANE Select); coding-DNA positions 80 to 83, 4 bases deleted (TCTG; older notation c.80_83delTCTG).
Protein change: p.Val27fs; shifts the reading frame from valine 27.
Molecular consequence: frameshift variant.
Genome position (GRCh38, 1-based): chrX:37,782,122-37,782,125, TCTG deleted; deleting any 4 consecutive bases within chrX:37,782,120-37,782,125 gives the same sequence; the c. name uses the placement nearest the transcript's 3' end. VCF-style (leftmost placement, unchanged base first): chrX-37782119-TTGTC-T. GRCh37 (hg19) VCF-style: chrX-37641372-TTGTC-T.
Other names: c.80_83delTCTG (NM_000397.3); short protein forms V27fs.
Identifiers: ClinVar variation 495863 (VCV000495863.5), dbSNP rs1556464554, ClinGen allele CA658684293.

ClinVar aggregate classification (germline): Pathogenic. Review status: criteria provided, multiple submitters, no conflicts (2 of 4 stars). 3 submissions from 3 submitters: Pathogenic (3). Last evaluated 2025-01-23.

Conditions:
Granulomatous disease, chronic, X-linked. Also called: CYTOCHROME b-NEGATIVE GRANULOMATOUS DISEASE, CHRONIC, X-LINKED; GRANULOMATOUS DISEASE, CHRONIC, X-LINKED, SOMATIC MOSAIC. Identifiers: Orphanet 379, MedGen C1844376, MONDO:0010600, OMIM 306400.

Submissions (3):

Labcorp Genetics (formerly Invitae), Labcorp
Classification: Pathogenic for Granulomatous disease, chronic, X-linked. Last evaluated: 2025-01-23. Review status: criteria provided, single submitter. Criteria: Invitae Variant Classification Sherloc (09022015). Collection method: clinical testing. Allele origin: germline.
Comment: This sequence change creates a premature translational stop signal (p.Val27Glyfs*33) in the CYBB gene. It is expected to result in an absent or disrupted protein product. Loss-of-function variants in CYBB are known to be pathogenic (PMID: 9585602, 20729109). This variant is not present in population databases (gnomAD no frequency). This premature translational stop signal has been observed in individual(s) with clinical features of chronic granulomatous disease (PMID: 11162142, 29560547, 32040803). This variant is also known as 92–95 TCTG. ClinVar contains an entry for this variant (Variation ID: 495863). For these reasons, this variant has been classified as Pathogenic.

Genomic Medicine Center of Excellence, King Faisal Specialist Hospital and Research Centre
Classification: Pathogenic for Granulomatous disease, chronic, X-linked. Last evaluated: 2024-12-19. Review status: criteria provided, single submitter. Criteria: ACMG Guidelines, 2015. Collection method: clinical testing. Allele origin: germline.

Women's Health and Genetics/Laboratory Corporation of America, LabCorp
Classification: Pathogenic for Granulomatous disease, chronic, X-linked. Last evaluated: 2017-02-15. Review status: criteria provided, single submitter. Criteria: LabCorp Variant Classification Summary - May 2015. Collection method: clinical testing. Allele origin: germline.

Literature cited by the submitters: PubMed 9585602 (cited by Labcorp Genetics (formerly Invitae), Labcorp); PubMed 20729109 (cited by Labcorp Genetics (formerly Invitae), Labcorp and Women's Health and Genetics/Laboratory Corporation of America, LabCorp); PubMed 11162142 (cited by Labcorp Genetics (formerly Invitae), Labcorp and Women's Health and Genetics/Laboratory Corporation of America, LabCorp); PubMed 29560547 (cited by Labcorp Genetics (formerly Invitae), Labcorp); PubMed 32040803 (cited by Labcorp Genetics (formerly Invitae), Labcorp); PubMed 23956436 (cited by Women's Health and Genetics/Laboratory Corporation of America, LabCorp); PubMed 21190454 (cited by Women's Health and Genetics/Laboratory Corporation of America, LabCorp).